The following is an entry in ClinVar:

ClinVar aggregate classification (germline): Conflicting classifications of pathogenicity. Review status: criteria provided, conflicting classifications (1 of 4 stars). 13 submissions from 13 submitters: Uncertain significance (4); Benign (1); Likely benign (6). 2 of the submissions do not count toward it. Last evaluated 2026-01-30.

Conditions:
Usher syndrome type 2. Also called: Usher Syndrome Type II. Identifiers: Orphanet 231178, MedGen C0339534, MONDO:0016484.
Usher syndrome. Also called: Usher Syndromes; Usher's syndrome. Identifiers: Orphanet 886, MedGen CN469326, MeSH D052245, MONDO:0019501. Disease mechanism: loss of function.
ADGRV1-related disorder. Also called: ADGRV1-related condition; ADGRV1-related disorders.
Febrile seizures, familial, 4 (FEB4). Also called: CONVULSIONS, FAMILIAL FEBRILE, 4. Identifiers: MedGen C1858493, MONDO:0011443, OMIM 604352.
Usher syndrome type 2C. Also called: Usher syndrome, type 2B; USHER SYNDROME, TYPE IIC. Identifiers: Orphanet 231178, Orphanet 886, MedGen C2931213, MONDO:0011558, OMIM 605472.

Allele frequency attached by ClinVar (database versions not stated): 1000 Genomes Project 30x 0.00078; 1000 Genomes Project 0.00080; TOPMed 0.00147; gnomAD 0.00159; ExAC 0.00182; gnomAD exomes 0.00182; ESP Exome Variant Server 0.00199.
gnomAD v4.1: 3,630 of 1,603,510 alleles (0.23%); highest among the groups gnomAD compares: South Asian, 0.28%; 8 homozygotes.

Submissions (13):

Labcorp Genetics (formerly Invitae), Labcorp
Classification: Likely benign. Last evaluated: 2026-01-30. Review status: criteria provided, single submitter. Criteria: Invitae Variant Classification Sherloc (09022015). Collection method: clinical testing. Allele origin: germline.

Women's Health and Genetics/Laboratory Corporation of America, LabCorp
Classification: Uncertain significance. Last evaluated: 2025-11-10. Review status: criteria provided, single submitter. Criteria: LabCorp Variant Classification Summary - May 2015. Collection method: clinical testing. Allele origin: germline.
Comment: Variant summary: ADGRV1 c.3443G>A (p.Gly1148Asp) results in a non-conservative amino acid change located in the Na-Ca exchanger/integrin-beta4 domain (IPR003644) of the encoded protein sequence. Algorithms developed to predict the effect of missense changes on protein structure and function are either unavailable or do not agree on the potential impact of this missense change. The variant allele was found at a frequency of 0.0018 in 243888 control chromosomes in the gnomAD database, including 1 homozygotes. This frequency is not significantly higher than estimated for disease-causing variants in ADGRV1, allowing no conclusion about variant significance. c.3443G>A has been observed primarily in settings of multigene panel sequencing in individuals affected with retinopathies and/or deafness without strong evidence for causality (Aparisi_2014, Wang_2014, Sommen_2016, Zampaglione_2020, Daich Varela_2023). These data do not allow any conclusion about variant significance. To our knowledge, no experimental evidence demonstrating an impact on protein function has been reported. The following publications have been ascertained in the context of this evaluation (PMID: 25404053, 37422204, 27068579, 24154662, 32037395). ClinVar contains an entry for this variant (Variation ID: 46316). Based on the evidence outlined above, the variant was classified as uncertain significance.

Blueprint Genetics
Classification: Likely benign. Last evaluated: 2024-11-25. Review status: criteria provided, single submitter. Criteria: ACMG Guidelines, 2015. Collection method: clinical testing. Allele origin: germline.

CeGaT Center for Human Genetics Tuebingen
Classification: Uncertain significance. Last evaluated: 2024-07-01. Review status: criteria provided, single submitter. Criteria: CeGaT Center For Human Genetics Tuebingen Variant Classification Criteria Version 2. Collection method: clinical testing. Allele origin: germline. Affected: yes. Observed: 3 variant alleles.

Athena Diagnostics
Classification: Benign. Last evaluated: 2024-04-04. Review status: criteria provided, single submitter. Criteria: Athena Diagnostics Criteria. Collection method: clinical testing. Allele origin: unknown.

Fulgent Genetics
Classification: Likely benign for Febrile seizures, familial, 4; Usher syndrome type 2C. Last evaluated: 2024-04-02. Review status: criteria provided, single submitter. Criteria: ACMG Guidelines, 2015. Collection method: clinical testing. Allele origin: germline.

Department of Pathology and Laboratory Medicine, Sinai Health System
Classification: Likely benign for Usher syndrome type 2. Last evaluated: 2021-09-07. Review status: criteria provided, single submitter. Criteria: ACMG Guidelines, 2015. Collection method: research. Allele origin: germline.

GeneDx
Classification: Likely benign. Last evaluated: 2021-03-10. Review status: criteria provided, single submitter. Criteria: GeneDx Variant Classification Process June 2021. Collection method: clinical testing. Allele origin: germline. Affected: yes.
Comment: This variant is associated with the following publications: (PMID: 25133751, 28041643, 27068579, 25404053, 24154662)

Illumina Laboratory Services, Illumina
Classification: Uncertain significance for Usher syndrome type 2C. Last evaluated: 2018-01-13. Review status: criteria provided, single submitter. Criteria: ICSL Variant Classification Criteria 13 December 2019. Collection method: clinical testing. Allele origin: germline.

Eurofins Ntd Llc (ga)
Classification: Uncertain significance. Last evaluated: 2017-08-16. Review status: criteria provided, single submitter. Criteria: EGL Classification Definitions 2015. Collection method: clinical testing. Allele origin: germline. Observed: 12 variant alleles, 12 heterozygotes.

Laboratory for Molecular Medicine, Mass General Brigham Personalized Medicine
Classification: Likely benign. Last evaluated: 2016-09-11. Review status: criteria provided, single submitter. Criteria: LMM Criteria. Collection method: clinical testing. Allele origin: germline. Observed: 3 variant alleles.
Comment: p.Gly1148Asp in exon 19 of GPR98: This variant is not expected to have clinical significance because it has been identified in 0.3% (50/16450) of South Asian ch romosomes and 0.2% (149/66614) of European chromosomes by the Exome Aggregation Consortium (ExAC; dbSNP rs200945405).

PreventionGenetics, part of Exact Sciences
Classification: Likely benign for ADGRV1-related condition. Last evaluated: 2024-06-25. Review status: no assertion criteria provided. Collection method: clinical testing. Allele origin: germline. Not counted in ClinVar's aggregate classification.
Comment: This variant is classified as likely benign based on ACMG/AMP sequence variant interpretation guidelines (Richards et al. 2015 PMID: 25741868, with internal and published modifications).

NIHR Bioresource Rare Diseases, University of Cambridge
Classification: Likely pathogenic for Usher syndrome. Last evaluated: 2015-01-01. Review status: no assertion criteria provided. Collection method: research. Allele origin: unknown. Affected: yes. Observed: 1 variant allele. Not counted in ClinVar's aggregate classification.

Literature cited by the submitters: PubMed 24154662 (cited by 3 submitters); PubMed 32037395 (cited by Women's Health and Genetics/Laboratory Corporation of America, LabCorp and Athena Diagnostics); PubMed 27068579 (cited by Women's Health and Genetics/Laboratory Corporation of America, LabCorp and Athena Diagnostics); PubMed 25404053 (cited by Women's Health and Genetics/Laboratory Corporation of America, LabCorp and Athena Diagnostics); PubMed 37422204 (cited by Women's Health and Genetics/Laboratory Corporation of America, LabCorp and Athena Diagnostics); PubMed 25133751 (cited by Athena Diagnostics); PubMed 28041643 (cited by Athena Diagnostics and NIHR Bioresource Rare Diseases, University of Cambridge); PubMed 36553628 (cited by Athena Diagnostics).

NM_032119.4(ADGRV1):c.3443G>A (p.Gly1148Asp)

Gene: ADGRV1 (adhesion G protein-coupled receptor V1; plus strand). Cytogenetic location: 5q14.3.
Variant type: single nucleotide variant.
Coding change: c.3443G>A on transcript NM_032119.4 (MANE Select); coding-DNA position 3443, G replaced by A.
Protein change: p.Gly1148Asp; replaces glycine 1148 with aspartic acid.
Molecular consequence: missense variant. On other transcripts: non-coding transcript variant (1).
Genome position (GRCh38, 1-based): chr5:90,652,372, G>A. VCF-style: chr5-90652372-G-A. GRCh37 (hg19) VCF-style: chr5-89948189-G-A.
Other names: short protein forms G1148D.
Identifiers: ClinVar variation 46316 (VCV000046316.56), dbSNP rs200945405, ClinGen allele CA138106.
Genomic context (GRCh38, chr5:90,652,372, plus strand): 5'-ACTACTTATAAATTTTCTTTAATTTATTTTGTAGGATTTTGAGGCACCGAGGATACTTTG[G>A]TAGTGTTTCTGTATCTTGGCAGCTCTTTCAGAATGATTCTGCTTTGCAGCCTGGGCAGGA-3'
Protein context (NP_115495.3, residues 1138-1158): FWILRHRGYF[Gly1148Asp]SVSVSWQLFQ